The following is an entry in ClinVar:

ClinVar aggregate classification (germline): Conflicting classifications of pathogenicity. Review status: criteria provided, conflicting classifications (1 of 4 stars). 2 submissions from 2 submitters: Uncertain significance (1); Likely benign (1). Last evaluated 2025-04-16.

Submissions (2):

Labcorp Genetics (formerly Invitae), Labcorp
Classification: Likely benign. Last evaluated: 2025-04-16. Review status: criteria provided, single submitter. Criteria: Invitae Variant Classification Sherloc (09022015). Collection method: clinical testing. Allele origin: germline.

GeneDx
Classification: Uncertain significance. Last evaluated: 2022-07-21. Review status: criteria provided, single submitter. Criteria: GeneDx Variant Classification Process June 2021. Collection method: clinical testing. Allele origin: germline. Affected: yes.
Comment: Not observed at significant frequency in large population cohorts (gnomAD); In silico analysis supports a deleterious effect on splicing; Has not been previously published as pathogenic or benign to our knowledge

NM_006231.4(POLE):c.1360-6C>A

Gene: POLE (DNA polymerase epsilon, catalytic subunit; minus strand). Cytogenetic location: 12q24.33.
Variant type: single nucleotide variant.
Coding change: c.1360-6C>A on transcript NM_006231.4 (MANE Select); 6 bases into the intron before coding-DNA position 1360, C replaced by A.
Molecular consequence: intron variant.
Genome position (GRCh38, 1-based): chr12:132,673,283, G>T on the plus strand (C>A on the coding strand, the complement: POLE is on the minus strand). VCF-style: chr12-132673283-G-T. GRCh37 (hg19) VCF-style: chr12-133249869-G-T.
Identifiers: ClinVar variation 648362 (VCV000648362.10), dbSNP rs139836643, ClinGen allele CA6893977.